The following is an entry in ClinVar:

ClinVar aggregate classification (germline): Pathogenic (1 of 4 stars; one submission).

Conditions:
Ectodermal dysplasia 10A, hypohidrotic/hair/nail type, autosomal dominant (ECTD10A). Also called: Ectodermal Dysplasia 3, Anhidrotic. Identifiers: Orphanet 1810, Orphanet 238468, MedGen C3888065, MONDO:0007509, OMIM 129490.
Autosomal recessive hypohidrotic ectodermal dysplasia syndrome. Also called: Autosomal recessive hypohidrotic ectodermal dysplasia. Identifiers: Orphanet 248, MedGen C0406702, MONDO:0016619.

Submission:

Labcorp Genetics (formerly Invitae), Labcorp
Classification: Pathogenic for Ectodermal dysplasia 10A, hypohidrotic/hair/nail type, autosomal dominant; Autosomal recessive hypohidrotic ectodermal dysplasia syndrome. Last evaluated: 2025-05-13. Review status: criteria provided, single submitter. Criteria: Invitae Variant Classification Sherloc (09022015). Collection method: clinical testing. Allele origin: germline.
Comment: This sequence change creates a premature translational stop signal (p.Glu433*) in the EDAR gene. While this is not anticipated to result in nonsense mediated decay, it is expected to disrupt the last 16 amino acid(s) of the EDAR protein. This variant is not present in population databases (gnomAD no frequency). This premature translational stop signal has been observed in individual(s) with autosomal dominant ectodermal dysplasia (internal data). ClinVar contains an entry for this variant (Variation ID: 2052298). This variant disrupts a region of the EDAR protein in which other variant(s) (p.W434*) have been determined to be pathogenic (PMID: 32325225). This suggests that this is a clinically significant region of the protein, and that variants that disrupt it are likely to be disease-causing. For these reasons, this variant has been classified as Pathogenic.

Literature cited by the submitters: PubMed 32325225.

NM_022336.4(EDAR):c.1297G>T (p.Glu433Ter)

Genes: EDAR (ectodysplasin A receptor; minus strand), RANBP2 (RAN binding protein 2; plus strand). Cytogenetic location: 2q13.
Variant type: single nucleotide variant.
Coding change: c.1297G>T on transcript NM_022336.4 (MANE Select); coding-DNA position 1297, G replaced by T.
Protein change: p.Glu433Ter; replaces glutamic acid 433 with a stop codon.
Molecular consequence: nonsense.
Genome position (GRCh38, 1-based): chr2:108,896,957, C>A on the plus strand (G>T on the coding strand, the complement: EDAR is on the minus strand). VCF-style: chr2-108896957-C-A. GRCh37 (hg19) VCF-style: chr2-109513413-C-A.
Other names: short protein forms E433*.
Identifiers: ClinVar variation 2052298 (VCV002052298.4), dbSNP rs2470612633, ClinGen allele CA348047592.